The following is an entry in ClinVar:

ClinVar aggregate classification (germline): Pathogenic. Review status: criteria provided, single submitter (1 of 4 stars). 4 submissions from 4 submitters: Pathogenic (1). 3 of the submissions do not count toward it. Last evaluated 2025-11-14.

Conditions:
SMCHD1-related disorder. Also called: SMCHD1-related condition.
Arrhinia with choanal atresia and microphthalmia syndrome. Also called: ARHINIA, CHOANAL ATRESIA, MICROPHTHALMIA, AND HYPOGONADOTROPIC HYPOGONADISM; Arhinia, choanal atresia, and microphthalmia; Arrhinia-choanal atresia-microphthalmia syndrome. Identifiers: Orphanet 1135, Orphanet 2250, MedGen C1863878, MONDO:0011323, OMIM 603457.
Facioscapulohumeral muscular dystrophy 2 (FSHD2). Also called: MUSCULAR DYSTROPHY, FACIOSCAPULOHUMERAL, TYPE 1B; FACIOSCAPULOHUMERAL MUSCULAR DYSTROPHY 2, DIGENIC; FSHD2, DIGENIC. Identifiers: Orphanet 269, MedGen C1834671, MONDO:0008031, OMIM 158901.

Submissions (4):

Labcorp Genetics (formerly Invitae), Labcorp
Classification: Pathogenic for Facioscapulohumeral muscular dystrophy 2. Last evaluated: 2025-11-14. Review status: criteria provided, single submitter. Criteria: Invitae Variant Classification Sherloc (09022015). Collection method: clinical testing. Allele origin: germline.
Comment: This sequence change replaces serine, which is neutral and polar, with asparagine, which is neutral and polar, at codon 135 of the SMCHD1 protein (p.Ser135Asn). This variant is not present in population databases (gnomAD no frequency). This missense change has been observed in individual(s) with Bosma arhinia microphthalmia syndrome (PMID: 28067909, 28067911, 35121673). In at least one individual the variant was observed to be de novo. ClinVar contains an entry for this variant (Variation ID: 375767). Invitae Evidence Modeling of protein sequence and biophysical properties (such as structural, functional, and spatial information, amino acid conservation, physicochemical variation, residue mobility, and thermodynamic stability) indicates that this missense variant is expected to disrupt SMCHD1 protein function with a positive predictive value of 80%. This variant disrupts the p.Ser135 amino acid residue in SMCHD1. Other variant(s) that disrupt this residue have been determined to be pathogenic (PMID: 28067909, 28067911). This suggests that this residue is clinically significant, and that variants that disrupt this residue are likely to be disease-causing. For these reasons, this variant has been classified as Pathogenic.

PreventionGenetics, part of Exact Sciences
Classification: Pathogenic for SMCHD1-related condition. Last evaluated: 2023-10-19. Review status: no assertion criteria provided. Collection method: clinical testing. Allele origin: germline. Not counted in ClinVar's aggregate classification.
Comment: The SMCHD1 c.404G>A variant is predicted to result in the amino acid substitution p.Ser135Asn. This variant has been reported in the de novo state in one individual with Bosma arhinia microphthalmia syndrome (BAMS) (Gordon et al. 2017. PubMed ID: 28067911). A different missense variant in the same codon (c.404G>T, p. Ser135Ile) was reported in the de novo state in one individual with BAMS (Shaw et al. 2017. PubMed ID: 28067909. Table S2). This variant has also been reported in individuals with Arhinia or Facioscapulohumeral muscular dystrophy type 2 (Ruprecht et al. 1978. PubMed ID: 672092; Shaw et al. 2017. PubMed ID: 28067909. Table S2; Mohassel et al. 2022. PubMed ID: 35121673). This variant has not been reported in a large population database, indicating this variant is rare. This variant is interpreted as pathogenic.

OMIM
Classification: Pathogenic for BOSMA ARHINIA MICROPHTHALMIA SYNDROME. Last evaluated: 2017-02-27. Review status: no assertion criteria provided. Collection method: literature only. Allele origin: germline. Not counted in ClinVar's aggregate classification.

MGH Harvard Center for Reproductive Medicine, Massachusetts General Hospital
Classification: Pathogenic for Arrhinia with choanal atresia and microphthalmia syndrome. Review status: no assertion criteria provided. Collection method: research. Allele origin: de novo, unknown. Affected: yes. Observed: 2 variant alleles. Not counted in ClinVar's aggregate classification.

Literature cited by the submitters: PubMed 28067909 (cited by 3 submitters); PubMed 28067911 (cited by Labcorp Genetics (formerly Invitae), Labcorp and OMIM); PubMed 35121673 (cited by Labcorp Genetics (formerly Invitae), Labcorp); PubMed 672092 (cited by OMIM).

NM_015295.3(SMCHD1):c.404G>A (p.Ser135Asn)

Gene: SMCHD1 (structural maintenance of chromosomes flexible hinge domain containing 1; plus strand). Cytogenetic location: 18p11.32.
Variant type: single nucleotide variant.
Coding change: c.404G>A on transcript NM_015295.3 (MANE Select); coding-DNA position 404, G replaced by A.
Protein change: p.Ser135Asn; replaces serine 135 with asparagine.
Molecular consequence: missense variant.
Genome position (GRCh38, 1-based): chr18:2,667,011, G>A. VCF-style: chr18-2667011-G-A. GRCh37 (hg19) VCF-style: chr18-2667010-G-A.
Other names: short protein forms S135N.
Identifiers: ClinVar variation 375767 (VCV000375767.4), dbSNP rs1057519646, ClinGen allele CA16602282.
Genomic context (GRCh38, chr18:2,667,011, plus strand): 5'-TTGACTTCTTACCTCACTATGACACACTGGTTAAAAGTGGCATGTATGAATATTATGCCA[G>A]TGAAGGACAAAATCCTTTGCGTAAGTATCCCATTCATACTAATTTTGATAAATTATTACC-3'
Protein context (NP_056110.2, residues 125-145): VKSGMYEYYA[Ser135Asn]EGQNPLPFAL